The following is an entry in ClinVar:

NM_024513.4(FYCO1):c.1171C>T (p.Pro391Ser)

Gene: FYCO1 (FYVE and coiled-coil domain autophagy adaptor 1; minus strand). Cytogenetic location: 3p21.31.
Variant type: single nucleotide variant.
Coding change: c.1171C>T on transcript NM_024513.4 (MANE Select); coding-DNA position 1171, C replaced by T.
Protein change: p.Pro391Ser; replaces proline 391 with serine.
Molecular consequence: missense variant. On other transcripts: non-coding transcript variant (1).
Genome position (GRCh38, 1-based): chr3:45,968,163, G>A on the plus strand (C>T on the coding strand, the complement: FYCO1 is on the minus strand). VCF-style: chr3-45968163-G-A. GRCh37 (hg19) VCF-style: chr3-46009655-G-A.
Other names: c.1171C>T, p.Pro391Ser (NM_001386421.1, NM_001386422.1, NM_001386423.1 and 4 more transcripts); c.1051C>T, p.Pro351Ser (NM_001386426.1); c.1027C>T, p.Pro343Ser (NM_001386427.1); c.571C>T, p.Pro191Ser (NM_001386430.1); short protein forms P391S, P351S, P191S, P343S.
Identifiers: ClinVar variation 1517387 (VCV001517387.6), dbSNP rs533418314, ClinGen allele CA73684818.

ClinVar aggregate classification (germline): Uncertain significance (1 of 4 stars; one submission).

Conditions:
Cataract 18 (CATC2). Also called: CATARACT 18, AUTOSOMAL RECESSIVE. Identifiers: Orphanet 91492, Orphanet 98991, Orphanet 98992, Orphanet 98995, MedGen C1864908, MONDO:0012395, OMIM 610019.

Allele frequency attached by ClinVar (database versions not stated): gnomAD exomes below 0.00001.

Submission:

Labcorp Genetics (formerly Invitae), Labcorp
Classification: Uncertain significance for Cataract 18. Last evaluated: 2024-02-24. Review status: criteria provided, single submitter. Criteria: Invitae Variant Classification Sherloc (09022015). Collection method: clinical testing. Allele origin: germline.
Comment: This sequence change replaces proline, which is neutral and non-polar, with serine, which is neutral and polar, at codon 391 of the FYCO1 protein (p.Pro391Ser). This variant is not present in population databases (gnomAD no frequency). This variant has not been reported in the literature in individuals affected with FYCO1-related conditions. ClinVar contains an entry for this variant (Variation ID: 1517387). Advanced modeling of protein sequence and biophysical properties (such as structural, functional, and spatial information, amino acid conservation, physicochemical variation, residue mobility, and thermodynamic stability) performed at Invitae indicates that this missense variant is not expected to disrupt FYCO1 protein function with a negative predictive value of 80%. In summary, the available evidence is currently insufficient to determine the role of this variant in disease. Therefore, it has been classified as a Variant of Uncertain Significance.